The following is an entry in ClinVar:

ClinVar aggregate classification (germline): Uncertain significance (1 of 4 stars; one submission).

Submission:

Labcorp Genetics (formerly Invitae), Labcorp
Classification: Uncertain significance. Last evaluated: 2025-10-18. Review status: criteria provided, single submitter. Criteria: Invitae Variant Classification Sherloc (09022015). Collection method: clinical testing. Allele origin: germline.
Comment: This sequence change replaces cysteine, which is neutral and slightly polar, with arginine, which is basic and polar, at codon 446 of the TNFRSF11A protein (p.Cys446Arg). This variant is not present in population databases (gnomAD no frequency). This variant has not been reported in the literature in individuals affected with TNFRSF11A-related conditions. An algorithm developed to predict the effect of missense changes on protein structure and function (PolyPhen-2) suggests that this variant is likely to be tolerated. In summary, the available evidence is currently insufficient to determine the role of this variant in disease. Therefore, it has been classified as a Variant of Uncertain Significance.

NM_003839.4(TNFRSF11A):c.1336T>C (p.Cys446Arg)

Gene: TNFRSF11A (TNF receptor superfamily member 11a; plus strand). Cytogenetic location: 18q21.33.
Variant type: single nucleotide variant.
Coding change: c.1336T>C on transcript NM_003839.4 (MANE Select); coding-DNA position 1336, T replaced by C.
Protein change: p.Cys446Arg; replaces cysteine 446 with arginine.
Molecular consequence: missense variant. On other transcripts: intron variant (3).
Genome position (GRCh38, 1-based): chr18:62,369,253, T>C. VCF-style: chr18-62369253-T-C. GRCh37 (hg19) VCF-style: chr18-60036486-T-C.
Other names: c.1294T>C, p.Cys432Arg (NM_001278268.2); c.783+2493T>C (NM_001270949.2); c.730+7460T>C (NM_001270950.2); c.616+9204T>C (NM_001270951.2); short protein forms C432R, C446R.
Identifiers: ClinVar variation 4760005 (VCV004760005.1).
Genomic context (GRCh38, chr18:62,369,253, plus strand): 5'-GTGGACAGTGGCCATTGCCCGCACTGGGCAGCCAGCCCCAGCCCCAACTGGGCAGATGTC[T>C]GCACAGGCTGCCGGAACCCTCCTGGGGAGGACTGTGAACCCCTCGTGGGTTCCCCAAAAC-3'
Protein context (NP_003830.1, residues 436-456): ASPSPNWADV[Cys446Arg]TGCRNPPGED